The following is an entry in ClinVar:

ClinVar aggregate classification (germline): Uncertain significance (1 of 4 stars; one submission).

Allele frequency attached by ClinVar (database versions not stated): gnomAD exomes 0.00001.
gnomAD v4.1: 12 of 1,612,446 alleles (0.00074%); highest among the groups gnomAD compares: African/African-American, 0.004%; no homozygotes.

Submission:

Labcorp Genetics (formerly Invitae), Labcorp
Classification: Uncertain significance. Last evaluated: 2022-07-20. Review status: criteria provided, single submitter. Criteria: Invitae Variant Classification Sherloc (09022015). Collection method: clinical testing. Allele origin: germline.
Comment: This sequence change replaces valine, which is neutral and non-polar, with isoleucine, which is neutral and non-polar, at codon 715 of the SKIV2L protein (p.Val715Ile). This variant is not present in population databases (gnomAD no frequency). This variant has not been reported in the literature in individuals affected with SKIV2L-related conditions. Algorithms developed to predict the effect of missense changes on protein structure and function are either unavailable or do not agree on the potential impact of this missense change (SIFT: "Tolerated"; PolyPhen-2: "Probably Damaging"; Align-GVGD: "Class C0"). In summary, the available evidence is currently insufficient to determine the role of this variant in disease. Therefore, it has been classified as a Variant of Uncertain Significance.

NM_006929.5(SKIC2):c.2143G>A (p.Val715Ile)

Gene: SKIC2 (SKI2 subunit of superkiller complex; plus strand). Cytogenetic location: 6p21.33.
Variant type: single nucleotide variant.
Coding change: c.2143G>A on transcript NM_006929.5 (MANE Select); coding-DNA position 2143, G replaced by A.
Protein change: p.Val715Ile; replaces valine 715 with isoleucine.
Molecular consequence: missense variant.
Genome position (GRCh38, 1-based): chr6:31,965,954, G>A. VCF-style: chr6-31965954-G-A. GRCh37 (hg19) VCF-style: chr6-31933731-G-A.
Other names: short protein forms V715I.
Identifiers: ClinVar variation 1913093 (VCV001913093.3), dbSNP rs1772787144, ClinGen allele CA363468514.
Genomic context (GRCh38, chr6:31,965,954, plus strand): 5'-GGGGAGTATGTGCAGATGGCAGGCCGGGCAGGGCGGAGGGGCCTGGACCCCACAGGCACC[G>A]TTATCCTGCTCTGCAAGGGCCGAGTGCCCGAGATGGCAGACCTGCACCGCATGATGATGG-3'
Protein context (NP_008860.4, residues 705-725): GRRGLDPTGT[Val715Ile]ILLCKGRVPE